The following is an entry in ClinVar:

ClinVar aggregate classification (germline): Uncertain significance (1 of 4 stars; one submission).

Allele frequency attached by ClinVar (database versions not stated): TOPMed 0.00001; gnomAD 0.00002.

Submission:

Labcorp Genetics (formerly Invitae), Labcorp
Classification: Uncertain significance. Last evaluated: 2023-11-19. Review status: criteria provided, single submitter. Criteria: Invitae Variant Classification Sherloc (09022015). Collection method: clinical testing. Allele origin: germline.
Comment: This sequence change replaces asparagine, which is neutral and polar, with lysine, which is basic and polar, at codon 111 of the PCGF2 protein (p.Asn111Lys). This variant is not present in population databases (gnomAD no frequency). This variant has not been reported in the literature in individuals affected with PCGF2-related conditions. ClinVar contains an entry for this variant (Variation ID: 1499760). Advanced modeling of protein sequence and biophysical properties (such as structural, functional, and spatial information, amino acid conservation, physicochemical variation, residue mobility, and thermodynamic stability) performed at Invitae indicates that this missense variant is not expected to disrupt PCGF2 protein function with a negative predictive value of 80%. In summary, the available evidence is currently insufficient to determine the role of this variant in disease. Therefore, it has been classified as a Variant of Uncertain Significance.

NM_007144.3(PCGF2):c.333T>A (p.Asn111Lys)

Gene: PCGF2 (polycomb group ring finger 2; minus strand). Cytogenetic location: 17q12.
Variant type: single nucleotide variant.
Coding change: c.333T>A on transcript NM_007144.3 (MANE Select); coding-DNA position 333, T replaced by A.
Protein change: p.Asn111Lys; replaces asparagine 111 with lysine.
Molecular consequence: missense variant.
Genome position (GRCh38, 1-based): chr17:38,738,845, A>T on the plus strand (T>A on the coding strand, the complement: PCGF2 is on the minus strand). VCF-style: chr17-38738845-A-T. GRCh37 (hg19) VCF-style: chr17-36895098-A-T.
Other names: c.333T>A, p.Asn111Lys (NM_001369614.1, NM_001369615.1); short protein forms N111K.
Identifiers: ClinVar variation 1499760 (VCV001499760.8), dbSNP rs1320317505, ClinGen allele CA398822090.